The following is an entry in ClinVar:

NM_001048174.2(MUTYH):c.1248C>T (p.His416=)

Gene: MUTYH (mutY DNA glycosylase; minus strand). Cytogenetic location: 1p34.1.
Variant type: single nucleotide variant.
Coding change: c.1248C>T on transcript NM_001048174.2 (MANE Select); coding-DNA position 1248, C replaced by T.
Protein change: p.His416=; no amino-acid change (histidine 416 retained).
Molecular consequence: synonymous variant. On other transcripts: non-coding transcript variant (2).
Genome position (GRCh38, 1-based): chr1:45,331,326, G>A on the plus strand (C>T on the coding strand, the complement: MUTYH is on the minus strand). VCF-style: chr1-45331326-G-A. GRCh37 (hg19) VCF-style: chr1-45796998-G-A.
Other names: c.1281C>T, p.His427= (NM_001293191.2); c.972C>T, p.His324= (NM_001293192.2, NM_001293196.2); c.1248C>T, p.His416= (NM_001293195.2, NM_001048171.2, NM_001048173.2); c.903C>T, p.His301= (NM_001350650.2, NM_001350651.2); c.1323C>T, p.His441= (NM_012222.3); c.1251C>T, p.His417= (NM_001048172.2); c.1332C>T, p.His444= (NM_001128425.2); c.1293C>T, p.His431= (NM_001293190.2).
Identifiers: ClinVar variation 238336 (VCV000238336.17), dbSNP rs764366493, ClinGen allele CA056148.

ClinVar aggregate classification (germline): Likely benign. Review status: criteria provided, multiple submitters, no conflicts (2 of 4 stars). 4 submissions from 4 submitters: Likely benign (4). Last evaluated 2025-12-08.

Conditions:
Hereditary cancer-predisposing syndrome. Also called: Tumor predisposition; Hereditary neoplastic syndrome; Neoplastic Syndromes, Hereditary; Hereditary Cancer Syndrome. Identifiers: Orphanet 140162, MedGen C0027672, MeSH D009386, MONDO:0015356.
Familial adenomatous polyposis 2. Also called: FAP type 2; MUTYH Polyposis; MUTYH-related attenuated familial adenomatous polyposis; COLORECTAL ADENOMATOUS POLYPOSIS, AUTOSOMAL RECESSIVE; ADENOMAS, MULTIPLE COLORECTAL, AUTOSOMAL RECESSIVE; Adenomas, multiple colorectal. Identifiers: Orphanet 220460, Orphanet 247798, MedGen C3272841, MONDO:0012041, OMIM 608456.

Allele frequency attached by ClinVar (database versions not stated): gnomAD exomes below 0.00001 and 0.00001; TOPMed below 0.00001; ExAC 0.00001.

Submissions (4):

Labcorp Genetics (formerly Invitae), Labcorp
Classification: Likely benign for Familial adenomatous polyposis 2. Last evaluated: 2025-12-08. Review status: criteria provided, single submitter. Criteria: Invitae Variant Classification Sherloc (09022015). Collection method: clinical testing. Allele origin: germline.

All of Us Research Program, National Institutes of Health
Classification: Likely benign for Familial adenomatous polyposis 2. Last evaluated: 2023-05-16. Review status: criteria provided, single submitter. Criteria: ACMG Guidelines, 2015. Collection method: clinical testing. Allele origin: germline. Inheritance: Autosomal recessive inheritance. Observed: 1 variant allele, 1 heterozygote.
Comment: This study involves interpretation of variants in research participants for the purpose of population health screening. Participant phenotype was not available at the time of variant classification. Additional details can be found in publication PMID: 35346344, PMCID: PMC8962531

Color Diagnostics, LLC DBA Color Health
Classification: Likely benign for Hereditary cancer-predisposing syndrome. Last evaluated: 2016-05-03. Review status: criteria provided, single submitter. Criteria: ACMG Guidelines, 2015. Collection method: clinical testing. Allele origin: germline.

Ambry Genetics
Classification: Likely benign for Hereditary cancer-predisposing syndrome. Last evaluated: 2016-04-07. Review status: criteria provided, single submitter. Criteria: Ambry Variant Classification Scheme 2023. Collection method: clinical testing. Allele origin: germline.